The following is an entry in ClinVar:

ClinVar aggregate classification (germline): Conflicting classifications of pathogenicity. Review status: criteria provided, conflicting classifications (1 of 4 stars). 2 submissions from 2 submitters: Pathogenic (1); Uncertain significance (1). Last evaluated 2025-02-10.

Conditions:
Primary ciliary dyskinesia. Also called: Ciliary dyskinesia. Identifiers: Orphanet 244, MedGen C0008780, MONDO:0016575, HP:0012265.
Primary ciliary dyskinesia 7. Also called: CILIARY DYSKINESIA, PRIMARY, 7, WITH OR WITHOUT SITUS INVERSUS. Identifiers: Orphanet 244, MedGen C2678473, MONDO:0012748, OMIM 611884.

Allele frequency attached by ClinVar (database versions not stated): gnomAD exomes below 0.00001.
gnomAD v4.1: 1 of 1,587,522 alleles (0.000063%); highest among the groups gnomAD compares: Non-Finnish European, 0.000086%; no homozygotes.

Submissions (2):

Broad Center for Mendelian Genomics, Broad Institute of MIT and Harvard
Classification: Uncertain significance for Primary ciliary dyskinesia 7. Last evaluated: 2025-02-10. Review status: criteria provided, single submitter. Criteria: ACMG Guidelines, 2015. Collection method: curation. Allele origin: germline. Inheritance: Autosomal recessive inheritance.
Comment: The c.883-1G>A variant in DNAH11 has been reported, in the compound heterozygous state, in 2 siblings with primary ciliary dyskinesia (PMID: 20513915), and has been identified in 0.00009% (1/1166038) of European (non-Finnish) chromosomes by the Genome Aggregation Database (gnomAD). Although this variant has been seen in the general population in a heterozygous state, its frequency is low enough to be consistent with a recessive carrier frequency. This variant is located in the 5' splice region. Computational tools predict a splicing impact, though this information is not predictive enough to determine pathogenicity. There is an in-frame cryptic splice site 6 bases from the intron-exon boundary, providing evidence that this variant may delete 2 amino acids instead of causing loss of function. However, this information is not predictive enough to determine pathogenicity. Loss of function of the DNAH11 gene is an established disease mechanism in autosomal recessive primary ciliary dyskinesia. In summary, the clinical significance of the c.883-1G>A variant is uncertain. ACMG/AMP Criteria applied: PM3, PVS1_moderate, PM2_supporting (Richards 2015).

Labcorp Genetics (formerly Invitae), Labcorp
Classification: Pathogenic for Primary ciliary dyskinesia. Last evaluated: 2023-09-08. Review status: criteria provided, single submitter. Criteria: Invitae Variant Classification Sherloc (09022015). Collection method: clinical testing. Allele origin: germline.
Comment: For these reasons, this variant has been classified as Pathogenic. Algorithms developed to predict the effect of sequence changes on RNA splicing suggest that this variant may disrupt the consensus splice site. Disruption of this splice site has been observed in individual(s) with primary ciliary dyskinesia (PMID: 20513915). In at least one individual the data is consistent with being in trans (on the opposite chromosome) from a pathogenic variant. It has also been observed to segregate with disease in related individuals. This variant is not present in population databases (gnomAD no frequency). This sequence change affects an acceptor splice site in intron 4 of the DNAH11 gene. It is expected to disrupt RNA splicing. Variants that disrupt the donor or acceptor splice site typically lead to a loss of protein function (PMID: 16199547), and loss-of-function variants in DNAH11 are known to be pathogenic (PMID: 18022865, 20513915, 22184204).

Literature cited by the submitters: PubMed 20513915 (cited by Labcorp Genetics (formerly Invitae), Labcorp); PubMed 16199547 (cited by Labcorp Genetics (formerly Invitae), Labcorp); PubMed 18022865 (cited by Labcorp Genetics (formerly Invitae), Labcorp); PubMed 22184204 (cited by Labcorp Genetics (formerly Invitae), Labcorp).

NM_001277115.2(DNAH11):c.883-1G>A

Gene: DNAH11 (dynein axonemal heavy chain 11; plus strand). Cytogenetic location: 7p15.3.
Variant type: single nucleotide variant.
Coding change: c.883-1G>A on transcript NM_001277115.2 (MANE Select); the canonical splice acceptor site of the intron before coding-DNA position 883, G replaced by A.
Molecular consequence: splice acceptor variant.
Genome position (GRCh38, 1-based): chr7:21,561,070, G>A. VCF-style: chr7-21561070-G-A. GRCh37 (hg19) VCF-style: chr7-21600688-G-A.
Other names: NM_001277115.2:c.883-1G>A.
Identifiers: ClinVar variation 2734973 (VCV002734973.4), dbSNP rs2534482993, ClinGen allele CA366932014.